The following is an entry in ClinVar:

ClinVar aggregate classification (germline): Uncertain significance. Review status: criteria provided, multiple submitters, no conflicts (2 of 4 stars). 3 submissions from 3 submitters: Uncertain significance (3). Last evaluated 2025-05-29.

Conditions:
Cardiovascular phenotype. Identifiers: MedGen CN230736.
Hereditary cancer-predisposing syndrome. Also called: Neoplastic Syndromes, Hereditary; Tumor predisposition; Hereditary Cancer Syndrome; Hereditary neoplastic syndrome. Identifiers: Orphanet 140162, MedGen C0027672, MeSH D009386, MONDO:0015356.

Allele frequency attached by ClinVar (database versions not stated): ExAC 0.00001; gnomAD exomes 0.00006.
gnomAD v4.1: 82 of 1,612,710 alleles (0.0051%); highest among the groups gnomAD compares: Non-Finnish European, 0.0069%; no homozygotes.

Submissions (3):

Labcorp Genetics (formerly Invitae), Labcorp
Classification: Uncertain significance. Last evaluated: 2025-05-29. Review status: criteria provided, single submitter. Criteria: Invitae Variant Classification Sherloc (09022015). Collection method: clinical testing. Allele origin: germline.
Comment: This sequence change replaces glutamine, which is neutral and polar, with histidine, which is basic and polar, at codon 558 of the LZTR1 protein (p.Gln558His). This variant is present in population databases (rs766667772, gnomAD 0.0009%). This variant has not been reported in the literature in individuals affected with LZTR1-related conditions. ClinVar contains an entry for this variant (Variation ID: 1777763). Invitae Evidence Modeling of protein sequence and biophysical properties (such as structural, functional, and spatial information, amino acid conservation, physicochemical variation, residue mobility, and thermodynamic stability) indicates that this missense variant is not expected to disrupt LZTR1 protein function with a negative predictive value of 80%. In summary, the available evidence is currently insufficient to determine the role of this variant in disease. Therefore, it has been classified as a Variant of Uncertain Significance.

Women's Health and Genetics/Laboratory Corporation of America, LabCorp
Classification: Uncertain significance. Last evaluated: 2023-10-13. Review status: criteria provided, single submitter. Criteria: LabCorp Variant Classification Summary - May 2015. Collection method: clinical testing. Allele origin: germline.

Ambry Genetics
Classification: Uncertain significance for Cardiovascular phenotype; Hereditary cancer-predisposing syndrome. Last evaluated: 2023-08-24. Review status: criteria provided, single submitter. Criteria: Ambry Variant Classification Scheme 2023. Collection method: clinical testing. Allele origin: germline.
Comment: The c.1674G>C variant (also known as p.Q558H), located in coding exon 15 of the LZTR1 gene, results from a G to C substitution at nucleotide position 1674. The glutamine at codon 558 is replaced by histidine, an amino acid with highly similar properties. This nucleotide position is well conserved in available vertebrate species. In silico splice site analysis predicts that this alteration may result in the creation or strengthening of a novel splice acceptor site; however, direct evidence is insufficient at this time (Ambry internal data). Since supporting evidence is limited at this time, the clinical significance of this alteration remains unclear.

NM_006767.4(LZTR1):c.1674G>C (p.Gln558His)

Gene: LZTR1 (leucine zipper like post translational regulator 1; plus strand). Cytogenetic location: 22q11.21.
Variant type: single nucleotide variant.
Coding change: c.1674G>C on transcript NM_006767.4 (MANE Select); coding-DNA position 1674, G replaced by C.
Protein change: p.Gln558His; replaces glutamine 558 with histidine.
Molecular consequence: missense variant.
Genome position (GRCh38, 1-based): chr22:20,994,616, G>C. VCF-style: chr22-20994616-G-C. GRCh37 (hg19) VCF-style: chr22-21348905-G-C.
Other names: short protein forms Q558H.
Identifiers: ClinVar variation 1777763 (VCV001777763.9), dbSNP rs766667772, ClinGen allele CA10119019.
Genomic context (GRCh38, chr22:20,994,616, plus strand): 5'-AGGCCATGTGGAGGATGTGCTGCTCATCATGGATGTGTACAAACTGGCACTGAGCTTCCA[G>C]TTGTGCCGCCTGGAGCAGCTGTGCCGCCAGTACATCGAGGCCTCCGTGGACCTGCAGAAC-3'
Protein context (NP_006758.2, residues 548-568): MDVYKLALSF[Gln558His]LCRLEQLCRQ